The following is an entry in ClinVar:

NM_172351.3(CD46):c.707G>C (p.Gly236Ala)

Gene: CD46 (CD46 molecule; plus strand). Cytogenetic location: 1q32.2.
Variant type: single nucleotide variant.
Coding change: c.707G>C on transcript NM_172351.3 (MANE Select); coding-DNA position 707, G replaced by C.
Protein change: p.Gly236Ala; replaces glycine 236 with alanine.
Molecular consequence: missense variant.
Genome position (GRCh38, 1-based): chr1:207,767,046, G>C. VCF-style: chr1-207767046-G-C. GRCh37 (hg19) VCF-style: chr1-207940391-G-C.
Other names: c.707G>C, p.Gly236Ala (NM_002389.4, NM_153826.4, NM_172350.3 and 8 more transcripts); short protein forms G236A.
Identifiers: ClinVar variation 2902668 (VCV002902668.3), dbSNP rs749597074, ClinGen allele CA1371714.

ClinVar aggregate classification (germline): Uncertain significance (1 of 4 stars; one submission).

Allele frequency attached by ClinVar (database versions not stated): ExAC 0.00002; gnomAD exomes 0.00003; gnomAD 0.00001; TOPMed 0.00001.

Submission:

Labcorp Genetics (formerly Invitae), Labcorp
Classification: Uncertain significance. Last evaluated: 2025-12-19. Review status: criteria provided, single submitter. Criteria: Invitae Variant Classification Sherloc (09022015). Collection method: clinical testing. Allele origin: germline.
Comment: This sequence change replaces glycine, which is neutral and non-polar, with alanine, which is neutral and non-polar, at codon 236 of the CD46 protein (p.Gly236Ala). This variant is present in population databases (rs749597074, gnomAD 0.004%). This variant has not been reported in the literature in individuals affected with CD46-related conditions. ClinVar contains an entry for this variant (Variation ID: 2902668). Invitae Evidence Modeling of protein sequence and biophysical properties (such as structural, functional, and spatial information, amino acid conservation, physicochemical variation, residue mobility, and thermodynamic stability) indicates that this missense variant is not expected to disrupt CD46 protein function with a negative predictive value of 80%. In summary, the available evidence is currently insufficient to determine the role of this variant in disease. Therefore, it has been classified as a Variant of Uncertain Significance.